The following is an entry in ClinVar:

ClinVar aggregate classification (germline): Likely benign. Review status: criteria provided, multiple submitters, no conflicts (2 of 4 stars). 2 submissions from 2 submitters: Likely benign (2). Last evaluated 2023-03-01.

Allele frequency attached by ClinVar (database versions not stated): 1000 Genomes Project 30x 0.00109; 1000 Genomes Project 0.00140; gnomAD exomes 0.00009 and 0.00013; ExAC 0.00016; ESP Exome Variant Server 0.00031; gnomAD 0.00063; TOPMed 0.00076.
gnomAD v4.1: 235 of 1,614,190 alleles (0.015%); highest among the groups gnomAD compares: African/African-American, 0.24%; 1 homozygote.

Submissions (2):

CeGaT Center for Human Genetics Tuebingen
Classification: Likely benign. Last evaluated: 2023-03-01. Review status: criteria provided, single submitter. Criteria: CeGaT Center For Human Genetics Tuebingen Variant Classification Criteria Version 2. Collection method: clinical testing. Allele origin: germline. Affected: yes. Observed: 1 variant allele.
Comment: SYT1: BP4, BP7

Labcorp Genetics (formerly Invitae), Labcorp
Classification: Likely benign. Last evaluated: 2018-06-05. Review status: criteria provided, single submitter. Criteria: Invitae Variant Classification Sherloc (09022015). Collection method: clinical testing. Allele origin: germline.

NM_005639.3(SYT1):c.1113C>T (p.Asn371=)

Gene: SYT1 (synaptotagmin 1; plus strand). Cytogenetic location: 12q21.2.
Variant type: single nucleotide variant.
Coding change: c.1113C>T on transcript NM_005639.3 (MANE Select); coding-DNA position 1113, C replaced by T.
Protein change: p.Asn371=; no amino-acid change (asparagine 371 retained).
Molecular consequence: synonymous variant.
Genome position (GRCh38, 1-based): chr12:79,448,968, C>T. VCF-style: chr12-79448968-C-T. GRCh37 (hg19) VCF-style: chr12-79842748-C-T.
Other names: c.1113C>T, p.Asn371= (NM_001135805.2, NM_001135806.2); c.1104C>T, p.Asn368= (NM_001291901.2).
Identifiers: ClinVar variation 722025 (VCV000722025.27), dbSNP rs144900171, ClinGen allele CA6698980.
Genomic context (GRCh38, chr12:79,448,968, plus strand): 5'-CTTCTTTCAGAAAGTGCAGGTGGTGGTAACTGTTTTGGACTATGACAAGATTGGCAAGAA[C>T]GATGCCATCGGCAAAGTCTTTGTGGGCTACAACAGCACCGGCGCGGAGCTGCGACACTGG-3'
Protein context (NP_005630.1, residues 361-381): TVLDYDKIGK[Asn371=]DAIGKVFVGY